The following is an entry in ClinVar:

ClinVar aggregate classification (germline): Benign/Likely benign. Review status: criteria provided, multiple submitters, no conflicts (2 of 4 stars). 6 submissions from 6 submitters: Benign (4); Likely benign (2). Last evaluated 2026-01-28.

Conditions:
Early-infantile DEE. Also called: Early infantile epileptic encephalopathy with suppression bursts; Early infantile epileptic encephalopathy; Ohtahara syndrome. Identifiers: Orphanet 1934, MedGen C0393706, MONDO:0800491.

Allele frequency attached by ClinVar (database versions not stated): ESP Exome Variant Server 0.00017; gnomAD exomes 0.00040 and 0.00154; gnomAD 0.00061 and 0.00076; TOPMed 0.00092; ExAC 0.00143; 1000 Genomes Project 30x 0.00375; 1000 Genomes Project 0.00379.
gnomAD v4.1: 787 of 1,612,584 alleles (0.049%); highest among the groups gnomAD compares: East Asian, 1.3%; 5 homozygotes.

Submissions (6):

Labcorp Genetics (formerly Invitae), Labcorp
Classification: Benign for Early-infantile DEE. Last evaluated: 2026-01-28. Review status: criteria provided, single submitter. Criteria: Invitae Variant Classification Sherloc (09022015). Collection method: clinical testing. Allele origin: germline.

ARUP Laboratories, Molecular Genetics and Genomics, ARUP Laboratories
Classification: Benign. Last evaluated: 2025-04-28. Review status: criteria provided, single submitter. Criteria: ARUP Molecular Germline Variant Investigation Process 2024. Collection method: clinical testing. Allele origin: germline.

Blueprint Genetics
Classification: Likely benign. Last evaluated: 2024-10-28. Review status: criteria provided, single submitter. Criteria: ACMG Guidelines, 2015. Collection method: clinical testing. Allele origin: germline.

Eurofins Ntd Llc (ga)
Classification: Benign. Last evaluated: 2015-09-22. Review status: criteria provided, single submitter. Criteria: EGL Classification Definitions 2015. Collection method: clinical testing. Allele origin: germline. Observed: 2 variant alleles, 2 heterozygotes.

GeneDx
Classification: Benign. Last evaluated: 2014-05-08. Review status: criteria provided, single submitter. Criteria: GeneDx Variant Classification (06012015). Collection method: clinical testing. Allele origin: germline. Affected: yes.
Comment: This variant is considered likely benign or benign based on one or more of the following criteria: it is a conservative change, it occurs at a poorly conserved position in the protein, it is predicted to be benign by multiple in silico algorithms, and/or has population frequency not consistent with disease.

Genetic Services Laboratory, University of Chicago
Classification: Likely benign. Last evaluated: 2014-04-21. Review status: criteria provided, single submitter. Criteria: ACMG Guidelines, 2007. Collection method: clinical testing. Allele origin: germline.

NM_001330260.2(SCN8A):c.2371-6A>G

Gene: SCN8A (sodium voltage-gated channel alpha subunit 8; plus strand). Cytogenetic location: 12q13.13.
Variant type: single nucleotide variant.
Coding change: c.2371-6A>G on transcript NM_001330260.2 (MANE Select); 6 bases into the intron before coding-DNA position 2371, A replaced by G.
Molecular consequence: intron variant.
Genome position (GRCh38, 1-based): chr12:51,762,497, A>G. VCF-style: chr12-51762497-A-G. GRCh37 (hg19) VCF-style: chr12-52156281-A-G.
Other names: c.2371-6A>G (NM_014191.4, NM_001177984.3, NM_001369788.1).
Identifiers: ClinVar variation 139070 (VCV000139070.22), dbSNP rs187002252, ClinGen allele CA209229.